The following is an entry in ClinVar:

NM_001171.6(ABCC6):c.1639G>A (p.Ala547Thr)

Gene: ABCC6 (ATP binding cassette subfamily C member 6; minus strand). Cytogenetic location: 16p13.11.
Variant type: single nucleotide variant.
Coding change: c.1639G>A on transcript NM_001171.6 (MANE Select); coding-DNA position 1639, G replaced by A.
Protein change: p.Ala547Thr; replaces alanine 547 with threonine.
Molecular consequence: missense variant. On other transcripts: non-coding transcript variant (1).
Genome position (GRCh38, 1-based): chr16:16,188,971, C>T on the plus strand (G>A on the coding strand, the complement: ABCC6 is on the minus strand). VCF-style: chr16-16188971-C-T. GRCh37 (hg19) VCF-style: chr16-16282828-C-T.
Other names: p.Ala547Thr; c.1297G>A, p.Ala433Thr (NM_001351800.1); short protein forms A547T, A433T.
Identifiers: ClinVar variation 426915 (VCV000426915.35), dbSNP rs56877937, ClinGen allele CA7926210.

ClinVar aggregate classification (germline): Conflicting classifications of pathogenicity. Review status: criteria provided, conflicting classifications (1 of 4 stars). 5 submissions from 5 submitters: Uncertain significance (1); Benign (1); Likely benign (3). Last evaluated 2026-01-27.

Allele frequency attached by ClinVar (database versions not stated): ESP Exome Variant Server 0.00031; gnomAD 0.00032; TOPMed 0.00068; ExAC 0.00100; gnomAD exomes 0.00101; 1000 Genomes Project 30x 0.00187; 1000 Genomes Project 0.00220.

Submissions (5):

Labcorp Genetics (formerly Invitae), Labcorp
Classification: Benign. Last evaluated: 2026-01-27. Review status: criteria provided, single submitter. Criteria: Invitae Variant Classification Sherloc (09022015). Collection method: clinical testing. Allele origin: germline.

Mayo Clinic Laboratories, Mayo Clinic
Classification: Likely benign. Last evaluated: 2025-08-07. Review status: criteria provided, single submitter. Criteria: ACMG Guidelines, 2015. Collection method: clinical testing. Allele origin: germline. Observed: 1 variant allele.
Comment: BS1, BS2_supporting

GeneDx
Classification: Uncertain significance. Last evaluated: 2025-07-03. Review status: criteria provided, single submitter. Criteria: GeneDx Variant Classification Process June 2021. Collection method: clinical testing. Allele origin: germline. Affected: yes.
Comment: In silico analysis suggests that this missense variant does not alter protein structure/function; This variant is associated with the following publications: (PMID: 29722917)

Blueprint Genetics
Classification: Likely benign. Last evaluated: 2024-11-26. Review status: criteria provided, single submitter. Criteria: ACMG Guidelines, 2015. Collection method: clinical testing. Allele origin: germline.

CeGaT Center for Human Genetics Tuebingen
Classification: Likely benign. Last evaluated: 2024-07-01. Review status: criteria provided, single submitter. Criteria: CeGaT Center For Human Genetics Tuebingen Variant Classification Criteria Version 2. Collection method: clinical testing. Allele origin: germline. Affected: yes. Observed: 1 variant allele.
Comment: ABCC6: BS2

Literature cited by the submitters: PubMed 29722917 (cited by Mayo Clinic Laboratories, Mayo Clinic).